The following is an entry in ClinVar:

ClinVar aggregate classification (germline): Uncertain significance. Review status: criteria provided, multiple submitters, no conflicts (2 of 4 stars). 4 submissions from 4 submitters: Uncertain significance (4). Last evaluated 2026-01-22.

Conditions:
Colorectal cancer, susceptibility to, 12 (CRCS12). Also called: COLORECTAL CANCER, SUSCEPTIBILITY TO, ON CHROMOSOME 12q24. Identifiers: Orphanet 220460, MedGen C3554460, MONDO:0014038, OMIM 615083.
Hereditary cancer-predisposing syndrome. Also called: Neoplastic Syndromes, Hereditary; Hereditary neoplastic syndrome; Tumor predisposition; Hereditary Cancer Syndrome. Identifiers: Orphanet 140162, MedGen C0027672, MeSH D009386, MONDO:0015356.

Allele frequency attached by ClinVar (database versions not stated): gnomAD exomes below 0.00001 and 0.00001; ExAC 0.00002.
gnomAD v4.1: 2 of 1,612,718 alleles (0.00012%); highest among the groups gnomAD compares: Admixed American, 0.0033%; no homozygotes.

Submissions (4):

Labcorp Genetics (formerly Invitae), Labcorp
Classification: Uncertain significance. Last evaluated: 2026-01-22. Review status: criteria provided, single submitter. Criteria: Invitae Variant Classification Sherloc (09022015). Collection method: clinical testing. Allele origin: germline.
Comment: This sequence change replaces aspartic acid, which is acidic and polar, with asparagine, which is neutral and polar, at codon 462 of the POLE protein (p.Asp462Asn). This variant is present in population databases (rs765946486, gnomAD 0.006%). This variant has not been reported in the literature in individuals affected with POLE-related conditions. ClinVar contains an entry for this variant (Variation ID: 580067). Invitae Evidence Modeling of protein sequence and biophysical properties (such as structural, functional, and spatial information, amino acid conservation, physicochemical variation, residue mobility, and thermodynamic stability) indicates that this missense variant is expected to disrupt POLE protein function with a positive predictive value of 80%. In summary, the available evidence is currently insufficient to determine the role of this variant in disease. Therefore, it has been classified as a Variant of Uncertain Significance.

Ambry Genetics
Classification: Uncertain significance for Hereditary cancer-predisposing syndrome. Last evaluated: 2026-01-16. Review status: criteria provided, single submitter. Criteria: Ambry Variant Classification Scheme 2023. Collection method: clinical testing. Allele origin: germline.
Comment: The p.D462N variant (also known as c.1384G>A), located in coding exon 14 of the POLE gene, results from a G to A substitution at nucleotide position 1384. The aspartic acid at codon 462 is replaced by asparagine, an amino acid with highly similar properties. This amino acid position is highly conserved in available vertebrate species. In addition, this alteration is predicted to be tolerated by in silico analysis. Based on the available evidence, the clinical significance of this variant remains unclear.

Baylor Genetics
Classification: Uncertain significance for Colorectal cancer, susceptibility to, 12. Last evaluated: 2023-10-27. Review status: criteria provided, single submitter. Criteria: ACMG Guidelines, 2015. Collection method: clinical testing. Allele origin: unknown.

Quest Diagnostics Nichols Institute San Juan Capistrano
Classification: Uncertain significance. Last evaluated: 2022-12-28. Review status: criteria provided, single submitter. Criteria: Quest Diagnostics criteria. Collection method: clinical testing. Allele origin: unknown.
Comment: The variant has not been reported in the published literature. The frequency of this variant in the general population, 0.000008 (2/251478 chromosomes), is uninformative in assessment of its pathogenicity. Analysis of this variant using bioinformatics tools for the prediction of the effect of amino acid changes on protein structure and function yielded predictions that this variant is damaging. Based on the available information, we are unable to determine the clinical significance of this variant.

NM_006231.4(POLE):c.1384G>A (p.Asp462Asn)

Gene: POLE (DNA polymerase epsilon, catalytic subunit; minus strand). Cytogenetic location: 12q24.33.
Variant type: single nucleotide variant.
Coding change: c.1384G>A on transcript NM_006231.4 (MANE Select); coding-DNA position 1384, G replaced by A.
Protein change: p.Asp462Asn; replaces aspartic acid 462 with asparagine.
Molecular consequence: missense variant.
Genome position (GRCh38, 1-based): chr12:132,673,253, C>T on the plus strand (G>A on the coding strand, the complement: POLE is on the minus strand). VCF-style: chr12-132673253-C-T. GRCh37 (hg19) VCF-style: chr12-133249839-C-T.
Other names: short protein forms D462N.
Identifiers: ClinVar variation 580067 (VCV000580067.16), dbSNP rs765946486, ClinGen allele CA6893971.